The following is an entry in ClinVar:

ClinVar aggregate classification (germline): Uncertain significance (1 of 4 stars; one submission).

Conditions:
Cowden syndrome 6 (CWS6). Identifiers: Orphanet 201, MedGen C3554519, MONDO:0014048, OMIM 615109.

Submission:

Labcorp Genetics (formerly Invitae), Labcorp
Classification: Uncertain significance for Cowden syndrome 6. Last evaluated: 2022-05-21. Review status: criteria provided, single submitter. Criteria: Invitae Variant Classification Sherloc (09022015). Collection method: clinical testing. Allele origin: germline.
Comment: Algorithms developed to predict the effect of missense changes on protein structure and function (SIFT, PolyPhen-2, Align-GVGD) all suggest that this variant is likely to be tolerated. This sequence change replaces threonine, which is neutral and polar, with serine, which is neutral and polar, at codon 105 of the AKT1 protein (p.Thr105Ser). This variant is not present in population databases (gnomAD no frequency). This variant has not been reported in the literature in individuals affected with AKT1-related conditions. In summary, the available evidence is currently insufficient to determine the role of this variant in disease. Therefore, it has been classified as a Variant of Uncertain Significance.

NM_001382430.1(AKT1):c.314C>G (p.Thr105Ser)

Gene: AKT1 (AKT serine/threonine kinase 1; minus strand). Cytogenetic location: 14q32.33.
Variant type: single nucleotide variant.
Coding change: c.314C>G on transcript NM_001382430.1 (MANE Select); coding-DNA position 314, C replaced by G.
Protein change: p.Thr105Ser; replaces threonine 105 with serine.
Molecular consequence: missense variant.
Genome position (GRCh38, 1-based): chr14:104,775,773, G>C on the plus strand (C>G on the coding strand, the complement: AKT1 is on the minus strand). VCF-style: chr14-104775773-G-C. GRCh37 (hg19) VCF-style: chr14-105242110-G-C.
Other names: c.314C>G, p.Thr105Ser (NM_001014431.2, NM_001014432.2, NM_001382431.1 and 3 more transcripts); short protein forms T105S.
Identifiers: ClinVar variation 1978398 (VCV001978398.4), dbSNP rs2542149980, ClinGen allele CA391220414.